The following is an entry in ClinVar:

NM_005861.4(STUB1):c.160-5C>G

Gene: STUB1 (STIP1 homology and U-box containing protein 1; plus strand). Cytogenetic location: 16p13.3.
Variant type: single nucleotide variant.
Coding change: c.160-5C>G on transcript NM_005861.4 (MANE Select); 5 bases into the intron before coding-DNA position 160, C replaced by G.
Molecular consequence: intron variant. On other transcripts: 5 prime UTR variant (1).
Genome position (GRCh38, 1-based): chr16:681,147, C>G. VCF-style: chr16-681147-C-G. GRCh37 (hg19) VCF-style: chr16-731147-C-G.
Other names: c.-62C>G (NM_001293197.2).
Identifiers: ClinVar variation 2861256 (VCV002861256.3), dbSNP rs2543803064, ClinGen allele CA2739269846.

ClinVar aggregate classification (germline): Uncertain significance (1 of 4 stars; one submission).

Submission:

Labcorp Genetics (formerly Invitae), Labcorp
Classification: Uncertain significance. Last evaluated: 2023-10-03. Review status: criteria provided, single submitter. Criteria: Invitae Variant Classification Sherloc (09022015). Collection method: clinical testing. Allele origin: germline.
Comment: This sequence change falls in intron 1 of the STUB1 gene. It does not directly change the encoded amino acid sequence of the STUB1 protein. This variant is not present in population databases (gnomAD no frequency). This variant has not been reported in the literature in individuals affected with STUB1-related conditions. Algorithms developed to predict the effect of sequence changes on RNA splicing suggest that this variant may disrupt the consensus splice site. In summary, the available evidence is currently insufficient to determine the role of this variant in disease. Therefore, it has been classified as a Variant of Uncertain Significance.